The following is an entry in ClinVar:

ClinVar aggregate classification (germline): Conflicting classifications of pathogenicity. Review status: criteria provided, conflicting classifications (1 of 4 stars). 4 submissions from 4 submitters: Uncertain significance (1); Likely benign (1). 2 of the submissions do not count toward it. Last evaluated 2022-10-13.

Conditions:
Cohen syndrome (COH1). Also called: PEPPER SYNDROME; Cutis verticis gyrata, retinitis pigmentosa, and sensorineural deafness. Identifiers: Orphanet 193, MedGen C0265223, MONDO:0008999, OMIM 216550.
VPS13B-related disorder. Also called: VPS13B-related condition.

Allele frequency attached by ClinVar (database versions not stated): ExAC 0.00002; gnomAD exomes 0.00002; gnomAD 0.00003 and 0.00004; TOPMed 0.00005.
gnomAD v4.1: 37 of 1,537,190 alleles (0.0024%); highest among the groups gnomAD compares: Non-Finnish European, 0.0033%; no homozygotes.

Submissions (4):

Labcorp Genetics (formerly Invitae), Labcorp
Classification: Uncertain significance for Cohen syndrome. Last evaluated: 2022-10-13. Review status: criteria provided, single submitter. Criteria: Invitae Variant Classification Sherloc (09022015). Collection method: clinical testing. Allele origin: germline.
Comment: This sequence change falls in intron 27 of the VPS13B gene. It does not directly change the encoded amino acid sequence of the VPS13B protein. It affects a nucleotide within the consensus splice site. This variant is present in population databases (rs201027029, gnomAD 0.004%). This variant has not been reported in the literature in individuals affected with VPS13B-related conditions. ClinVar contains an entry for this variant (Variation ID: 935100). Variants that disrupt the consensus splice site are a relatively common cause of aberrant splicing (PMID: 17576681, 9536098). Algorithms developed to predict the effect of sequence changes on RNA splicing suggest that this variant is not likely to affect RNA splicing. In summary, the available evidence is currently insufficient to determine the role of this variant in disease. Therefore, it has been classified as a Variant of Uncertain Significance.

Blueprint Genetics
Classification: Likely benign. Last evaluated: 2022-08-24. Review status: criteria provided, single submitter. Criteria: ACMG Guidelines, 2015. Collection method: clinical testing. Allele origin: germline.

PreventionGenetics, part of Exact Sciences
Classification: Likely benign for VPS13B-related condition. Last evaluated: 2023-07-04. Review status: no assertion criteria provided. Collection method: clinical testing. Allele origin: germline. Not counted in ClinVar's aggregate classification.
Comment: This variant is classified as likely benign based on ACMG/AMP sequence variant interpretation guidelines (Richards et al. 2015 PMID: 25741868, with internal and published modifications).

Natera, Inc.
Classification: Uncertain significance for Cohen syndrome. Last evaluated: 2020-03-09. Review status: no assertion criteria provided. Collection method: clinical testing. Allele origin: germline. Not counted in ClinVar's aggregate classification.

Literature cited by the submitters: PubMed 17576681 (cited by Labcorp Genetics (formerly Invitae), Labcorp); PubMed 9536098 (cited by Labcorp Genetics (formerly Invitae), Labcorp).

NM_152564.5(VPS13B):c.4157+5A>G

Gene: VPS13B (vacuolar protein sorting 13 homolog B; plus strand). Cytogenetic location: 8q22.2.
Variant type: single nucleotide variant.
Coding change: c.4157+5A>G on transcript NM_152564.5 (MANE Select); 5 bases into the intron after coding-DNA position 4157, A replaced by G.
Molecular consequence: intron variant.
Genome position (GRCh38, 1-based): chr8:99,502,955, A>G. VCF-style: chr8-99502955-A-G. GRCh37 (hg19) VCF-style: chr8-100515183-A-G.
Other names: c.4157+5A>G (NM_017890.5, NM_152564.4).
Identifiers: ClinVar variation 935100 (VCV000935100.9), dbSNP rs201027029, ClinGen allele CA4823425.